The following is an entry in ClinVar:

Single allele

Gene: CLRN1 (clarin 1; minus strand). Cytogenetic location: 3q25.1.
Variant type: Inversion.
Identifiers: ClinVar variation 4082235 (VCV004082235.1).

ClinVar aggregate classification (germline): Pathogenic (1 of 4 stars; one submission).

Conditions:
Usher syndrome type 3A (USH3A). Also called: USHER SYNDROME, TYPE IIIA. Identifiers: MedGen C5779850, MONDO:0010170, OMIM 276902.

Submission:

UAEU Genomics Laboratory, United Arab Emirates University
Classification: Pathogenic for Usher syndrome type 3A. Last evaluated: 2025-09-02. Review status: criteria provided, single submitter. Criteria: ACMG Guidelines, 2015. Collection method: clinical testing. Allele origin: germline. Inheritance: Autosomal recessive inheritance. Affected: yes. Observed: 8 homozygotes. Clinical features observed: Bilateral sensorineural hearing impairment (HP:0008619), Abnormal retinal pigmentation (HP:0007703).
Comment: The homozygous inversion of the chromosomal region Chr3:150649558-150659942 leads to a non-functional rearrangement involving exon 2 of the CLRN1 gene and is predicted to cause loss of function of the gene. An inversion overlapping this region and involving the same exon of the CLRN1 gene was reported in two affected individuals previously (PMID: 36056583). The variant was not observed in large population datasets such as gnomAD database. This variant was found to segregate with disease in multiple affected members of the current family. For these reasons this variant has been classified as pathogenic.

Literature cited by the submitters: PubMed 36056583.